The following is an entry in ClinVar:

ClinVar aggregate classification (germline): Uncertain significance (1 of 4 stars; one submission).

Allele frequency attached by ClinVar (database versions not stated): gnomAD exomes 0.00001; TOPMed 0.00004.
gnomAD v4.1: 8 of 1,614,192 alleles (0.0005%); highest among the groups gnomAD compares: African/African-American, 0.0093%; no homozygotes.

Submission:

Labcorp Genetics (formerly Invitae), Labcorp
Classification: Uncertain significance. Last evaluated: 2025-10-13. Review status: criteria provided, single submitter. Criteria: Invitae Variant Classification Sherloc (09022015). Collection method: clinical testing. Allele origin: germline.
Comment: This sequence change replaces phenylalanine, which is neutral and non-polar, with leucine, which is neutral and non-polar, at codon 384 of the HYOU1 protein (p.Phe348Leu). This variant is not present in population databases (gnomAD no frequency). This variant has not been reported in the literature in individuals affected with HYOU1-related conditions. ClinVar contains an entry for this variant (Variation ID: 2178216). An algorithm developed to predict the effect of missense changes on protein structure and function (PolyPhen-2) suggests that this variant is likely to be tolerated. In summary, the available evidence is currently insufficient to determine the role of this variant in disease. Therefore, it has been classified as a Variant of Uncertain Significance.

NM_006389.5(HYOU1):c.1044T>G (p.Phe348Leu)

Gene: HYOU1 (hypoxia up-regulated 1; minus strand). Cytogenetic location: 11q23.3.
Variant type: single nucleotide variant.
Coding change: c.1044T>G on transcript NM_006389.5 (MANE Select); coding-DNA position 1044, T replaced by G.
Protein change: p.Phe348Leu; replaces phenylalanine 348 with leucine.
Molecular consequence: missense variant.
Genome position (GRCh38, 1-based): chr11:119,052,373, A>C on the plus strand (T>G on the coding strand, the complement: HYOU1 is on the minus strand). VCF-style: chr11-119052373-A-C. GRCh37 (hg19) VCF-style: chr11-118923085-A-C.
Other names: c.1044T>G, p.Phe348Leu (NM_001130991.3, NM_001411041.1); short protein forms F348L.
Identifiers: ClinVar variation 2178216 (VCV002178216.4), dbSNP rs1263245329, ClinGen allele CA382942639.
Genomic context (GRCh38, chr11:119,052,373, plus strand): 5'-CTGGAGGGCCTGCTGTACAGGCCCAGGCACCCGCTCAAACAAGTCTGCACACAACTCCTC[A>C]AATTCCACACGAGTCACTTTTGCCTTGAAGTCCACATCATCCATCAGGCCTTCAATCTGG-3'
Protein context (NP_006380.1, residues 338-358): DFKAKVTRVE[Phe348Leu]EELCADLFER